The following is an entry in ClinVar:

NM_022356.4(P3H1):c.1660C>T (p.Arg554Cys)

Gene: P3H1 (prolyl 3-hydroxylase 1; minus strand). Cytogenetic location: 1p34.2.
Variant type: single nucleotide variant.
Coding change: c.1660C>T on transcript NM_022356.4 (MANE Select); coding-DNA position 1660, C replaced by T.
Protein change: p.Arg554Cys; replaces arginine 554 with cysteine.
Molecular consequence: missense variant.
Genome position (GRCh38, 1-based): chr1:42,750,246, G>A on the plus strand (C>T on the coding strand, the complement: P3H1 is on the minus strand). VCF-style: chr1-42750246-G-A. GRCh37 (hg19) VCF-style: chr1-43215917-G-A.
Other names: c.1660C>T, p.Arg554Cys (NM_001146289.2, NM_001243246.2); short protein forms R554C.
Identifiers: ClinVar variation 468971 (VCV000468971.18), dbSNP rs138860050, ClinGen allele CA801747.

ClinVar aggregate classification (germline): Uncertain significance. Review status: criteria provided, multiple submitters, no conflicts (2 of 4 stars). 8 submissions from 8 submitters: Uncertain significance (8). Last evaluated 2025-04-25.

Conditions:
Osteogenesis Imperfecta, Recessive.
Osteogenesis imperfecta (OI). Identifiers: Orphanet 666, MedGen C0029434, MeSH D010013, MONDO:0019019.
Osteogenesis imperfecta type 8 (OI8). Identifiers: MedGen C1970458, MONDO:0012581, OMIM 610915.

Allele frequency attached by ClinVar (database versions not stated): ESP Exome Variant Server 0.00008; gnomAD exomes 0.00018; ExAC 0.00020; gnomAD 0.00030 and 0.00033; TOPMed 0.00035.
gnomAD v4.1: 347 of 1,613,836 alleles (0.022%); highest among the groups gnomAD compares: African/African-American, 0.073%; no homozygotes.

Submissions (8):

GeneDx
Classification: Uncertain significance. Last evaluated: 2025-04-25. Review status: criteria provided, single submitter. Criteria: GeneDx Variant Classification Process June 2021. Collection method: clinical testing. Allele origin: germline.
Comment: In silico analysis indicates that this missense variant does not alter protein structure/function; Has not been previously published as pathogenic or benign to our knowledge

Fulgent Genetics
Classification: Uncertain significance for Osteogenesis imperfecta type 8. Last evaluated: 2024-03-25. Review status: criteria provided, single submitter. Criteria: ACMG Guidelines, 2015. Collection method: clinical testing. Allele origin: germline.

Blueprint Genetics
Classification: Uncertain significance. Last evaluated: 2023-05-19. Review status: criteria provided, single submitter. Criteria: ACMG Guidelines, 2015. Collection method: clinical testing. Allele origin: germline.

Genome-Nilou Lab
Classification: Uncertain significance for Osteogenesis imperfecta type 8. Last evaluated: 2023-04-11. Review status: criteria provided, single submitter. Criteria: ACMG Guidelines, 2015. Collection method: clinical testing. Allele origin: germline. Affected: no.

Labcorp Genetics (formerly Invitae), Labcorp
Classification: Uncertain significance for Osteogenesis imperfecta type 8. Last evaluated: 2022-07-05. Review status: criteria provided, single submitter. Criteria: Invitae Variant Classification Sherloc (09022015). Collection method: clinical testing. Allele origin: germline.
Comment: This sequence change replaces arginine, which is basic and polar, with cysteine, which is neutral and slightly polar, at codon 554 of the P3H1 protein (p.Arg554Cys). This variant is present in population databases (rs138860050, gnomAD 0.07%). This variant has not been reported in the literature in individuals affected with P3H1-related conditions. ClinVar contains an entry for this variant (Variation ID: 468971). Algorithms developed to predict the effect of missense changes on protein structure and function are either unavailable or do not agree on the potential impact of this missense change (SIFT: "Deleterious"; PolyPhen-2: "Possibly Damaging"; Align-GVGD: "Class C0"). In summary, the available evidence is currently insufficient to determine the role of this variant in disease. Therefore, it has been classified as a Variant of Uncertain Significance.

Genome Diagnostics Laboratory, The Hospital for Sick Children
Classification: Uncertain significance for Osteogenesis imperfecta. Last evaluated: 2019-11-01. Review status: criteria provided, single submitter. Criteria: ACMG Guidelines, 2015. Collection method: clinical testing. Allele origin: germline.

Illumina Laboratory Services, Illumina
Classification: Uncertain significance for Osteogenesis Imperfecta, Recessive. Last evaluated: 2017-04-27. Review status: criteria provided, single submitter. Criteria: ICSL Variant Classification Criteria 13 December 2019. Collection method: clinical testing. Allele origin: germline.

Breakthrough Genomics
Classification: Uncertain significance. Review status: criteria provided, single submitter. Criteria: ACMG Guidelines, 2015. Collection method: not provided. Allele origin: germline. Inheritance: Autosomal recessive inheritance. Affected: yes.